The following is an entry in ClinVar:

NM_001134363.3(RBM20):c.1745A>G (p.Asn582Ser)

Gene: RBM20 (RNA binding motif protein 20; plus strand). Cytogenetic location: 10q25.2.
Variant type: single nucleotide variant.
Coding change: c.1745A>G on transcript NM_001134363.3 (MANE Select); coding-DNA position 1745, A replaced by G.
Protein change: p.Asn582Ser; replaces asparagine 582 with serine.
Molecular consequence: missense variant.
Genome position (GRCh38, 1-based): chr10:110,799,863, A>G. VCF-style: chr10-110799863-A-G. GRCh37 (hg19) VCF-style: chr10-112559621-A-G.
Other names: c.1745A>G (NM_001134363.2); short protein forms N582S.
Identifiers: ClinVar variation 1329091 (VCV001329091.7), dbSNP rs890837429, ClinGen allele CA213247174.
Genomic context (GRCh38, chr10:110,799,863, plus strand): 5'-CTTACACAGAAGCTGCACAGGCCATGGTCCAGTATTATCAAGAAAAATCTGCTGTGATCA[A>G]TGGTGAGAAGTTGCTCATTCGGATGTCCAAGAGATACAAGGAATTGCAGCTCAAGGTAAA-3'
Protein context (NP_001127835.2, residues 572-592): QYYQEKSAVI[Asn582Ser]GEKLLIRMSK

ClinVar aggregate classification (germline): Uncertain significance. Review status: criteria provided, multiple submitters, no conflicts (2 of 4 stars). 3 submissions from 3 submitters: Uncertain significance (3). Last evaluated 2025-04-09.

Conditions:
Cardiovascular phenotype. Identifiers: MedGen CN230736.
Dilated cardiomyopathy 1DD (CMD1DD). Identifiers: Orphanet 154, MedGen C2750995, MONDO:0013168, OMIM 613172.
Cardiomyopathy (CMYO). Also called: Cardiomyopathies. Identifiers: Orphanet 167848, MedGen C0878544, MONDO:0004994, HP:0001638. Inheritance: Various modes of inheritance.

Allele frequency attached by ClinVar (database versions not stated): TOPMed 0.00002.
gnomAD v4.1: 6 of 1,552,128 alleles (0.00039%); highest among the groups gnomAD compares: Admixed American, 0.002%; no homozygotes.

Submissions (3):

Molecular Diagnostic Laboratory for Inherited Cardiovascular Disease, Montreal Heart Institute
Classification: Uncertain significance for Cardiovascular phenotype. Last evaluated: 2025-04-09. Review status: criteria provided, single submitter. Criteria: ACMG Guidelines, 2015. Collection method: clinical testing. Allele origin: germline. Affected: yes.
Comment: PM2

Labcorp Genetics (formerly Invitae), Labcorp
Classification: Uncertain significance for Dilated cardiomyopathy 1DD. Last evaluated: 2025-01-26. Review status: criteria provided, single submitter. Criteria: Invitae Variant Classification Sherloc (09022015). Collection method: clinical testing. Allele origin: germline.
Comment: This sequence change replaces asparagine, which is neutral and polar, with serine, which is neutral and polar, at codon 582 of the RBM20 protein (p.Asn582Ser). This variant is present in population databases (no rsID available, gnomAD 0.002%). This variant has not been reported in the literature in individuals affected with RBM20-related conditions. ClinVar contains an entry for this variant (Variation ID: 1329091). Invitae Evidence Modeling of protein sequence and biophysical properties (such as structural, functional, and spatial information, amino acid conservation, physicochemical variation, residue mobility, and thermodynamic stability) indicates that this missense variant is not expected to disrupt RBM20 protein function with a negative predictive value of 95%. In summary, the available evidence is currently insufficient to determine the role of this variant in disease. Therefore, it has been classified as a Variant of Uncertain Significance.

CHEO Genetics Diagnostic Laboratory, Children's Hospital of Eastern Ontario
Classification: Uncertain significance for Cardiomyopathy. Last evaluated: 2020-11-20. Review status: criteria provided, single submitter. Criteria: ACMG Guidelines, 2015. Collection method: clinical testing. Allele origin: germline.